The following is an entry in ClinVar:

ClinVar aggregate classification (germline): Pathogenic (1 of 4 stars; one submission).

Submission:

Labcorp Genetics (formerly Invitae), Labcorp
Classification: Pathogenic. Last evaluated: 2023-11-20. Review status: criteria provided, single submitter. Criteria: Invitae Variant Classification Sherloc (09022015). Collection method: clinical testing. Allele origin: unknown.
Comment: This variant is a gross deletion of the genomic region encompassing exon(s) 43-44 of the NBAS gene. This deletion is out-of-frame, and is expected to create a premature termination codon and result in an absent or disrupted protein product. Loss-of-function variants in NBAS are known to be pathogenic (PMID: 26073778, 26541327, 27789416, 28031453). This variant has not been reported in the literature in individuals affected with NBAS-related conditions. For these reasons, this variant has been classified as Pathogenic.

Literature cited by the submitters: PubMed 26073778; PubMed 26541327; PubMed 27789416; PubMed 28031453.

NC_000002.11:g.(?_15415588)_(15417245_?)del

Gene: NBAS (NBAS subunit of NRZ tethering complex; minus strand). Cytogenetic location: 2p24.3.
Variant type: Deletion.
Identifiers: ClinVar variation 3247562 (VCV003247562.1).